The following is an entry in ClinVar:

NM_020987.5(ANK3):c.8988G>C (p.Gln2996His)

Gene: ANK3 (ankyrin 3; minus strand). Cytogenetic location: 10q21.2.
Variant type: single nucleotide variant.
Coding change: c.8988G>C on transcript NM_020987.5 (MANE Select); coding-DNA position 8988, G replaced by C.
Protein change: p.Gln2996His; replaces glutamine 2996 with histidine.
Molecular consequence: missense variant. On other transcripts: intron variant (4).
Genome position (GRCh38, 1-based): chr10:60,071,893, C>G on the plus strand (G>C on the coding strand, the complement: ANK3 is on the minus strand). VCF-style: chr10-60071893-C-G. GRCh37 (hg19) VCF-style: chr10-61831651-C-G.
Other names: c.4388-3884G>C (NM_001204403.2); c.4409-3884G>C (NM_001204404.2); c.4406-3884G>C (NM_001320874.2); c.1808-3884G>C (NM_001149.4); short protein forms Q2996H.
Identifiers: ClinVar variation 128381 (VCV000128381.15), dbSNP rs41274672, ClinGen allele CA248694.

ClinVar aggregate classification (germline): Benign. Review status: criteria provided, multiple submitters, no conflicts (2 of 4 stars). 4 submissions from 4 submitters: Benign (3). 1 of the submissions does not count toward it. Last evaluated 2026-02-01.

Allele frequency attached by ClinVar (database versions not stated): ESP Exome Variant Server 0.01169; gnomAD 0.01542 and 0.01648; TOPMed 0.01922; ExAC 0.02069; 1000 Genomes Project 30x 0.02327; gnomAD exomes 0.02328 and 0.01552; 1000 Genomes Project 0.02476.
gnomAD v4.1: 25,460 of 1,614,054 alleles (1.6%); highest among the groups gnomAD compares: Admixed American, 5.8%; 365 homozygotes.

Submissions (4):

Labcorp Genetics (formerly Invitae), Labcorp
Classification: Benign. Last evaluated: 2026-02-01. Review status: criteria provided, single submitter. Criteria: Invitae Variant Classification Sherloc (09022015). Collection method: clinical testing. Allele origin: germline.

Genomic Diagnostic Laboratory, Division of Genomic Diagnostics, Children's Hospital of Philadelphia
Classification: Benign. Last evaluated: 2015-05-05. Review status: criteria provided, single submitter. Criteria: DGD Variant Analysis Guidelines. Collection method: clinical testing. Allele origin: unknown.

Breakthrough Genomics
Classification: Benign. Review status: criteria provided, single submitter. Criteria: ACMG Guidelines, 2015. Collection method: not provided. Allele origin: germline. Inheritance: Autosomal recessive inheritance. Affected: yes.

Genetic Services Laboratory, University of Chicago
Classification: Likely benign for AllHighlyPenetrant. Review status: no assertion criteria provided. Collection method: clinical testing. Allele origin: germline. Inheritance: Autosomal recessive inheritance. Not counted in ClinVar's aggregate classification.
Comment: Likely benign based on allele frequency in 1000 Genomes Project or ESP global frequency and its presence in a patient with a rare or unrelated disease phenotype. NOT Sanger confirmed.